The following is an entry in ClinVar:

NM_001114753.3(ENG):c.1268del (p.Asn423fs)

Genes: ENG (endoglin; minus strand), LOC102723566 (uncharacterized LOC102723566; plus strand). Cytogenetic location: 9q34.11.
Variant type: Deletion.
Coding change: c.1268del on transcript NM_001114753.3 (MANE Select); coding-DNA position 1268, one base deleted (A; older notation c.1268delA).
Protein change: p.Asn423fs; shifts the reading frame from asparagine 423.
Molecular consequence: frameshift variant.
Genome position (GRCh38, 1-based): chr9:127,819,904, T deleted on the plus strand (A on the coding strand, the reverse complement: ENG is on the minus strand); the first of 2 consecutive T bases (chr9:127,819,904-127,819,905); deleting either gives the same sequence. VCF-style (leftmost placement, unchanged base first): chr9-127819903-AT-A. GRCh37 (hg19) VCF-style: chr9-130582182-AT-A.
Other names: c.1268delA (NM_000118.3); c.1267delA, p.Asn423Metfs (NM_000118.4); c.722del, p.Asn241fs (NM_001278138.2); short protein forms N423fs, N241fs.
Identifiers: ClinVar variation 582005 (VCV000582005.16), dbSNP rs1564453538, ClinGen allele CA891842557.

ClinVar aggregate classification (germline): Pathogenic. Review status: criteria provided, multiple submitters, no conflicts (2 of 4 stars). 3 submissions from 3 submitters: Pathogenic (3). Last evaluated 2026-01-19.

Conditions:
Cardiovascular phenotype. Identifiers: MedGen CN230736.
ENG-related disorder. Also called: ENG-related condition; ENG-related disorders.
Hereditary hemorrhagic telangiectasia (HHT). Also called: ORW DISEASE; Osler Weber Rendu syndrome; OSLER-RENDU-WEBER DISEASE; Osler hemorrhagic telangiectasia syndrome. Identifiers: Orphanet 774, MedGen C0039445, MONDO:0019180. Disease mechanism: loss of function.

Submissions (3):

Labcorp Genetics (formerly Invitae), Labcorp
Classification: Pathogenic for Hereditary hemorrhagic telangiectasia. Last evaluated: 2026-01-19. Review status: criteria provided, single submitter. Criteria: Invitae Variant Classification Sherloc (09022015). Collection method: clinical testing. Allele origin: germline.
Comment: This sequence change creates a premature translational stop signal (p.Asn423Metfs*68) in the ENG gene. It is expected to result in an absent or disrupted protein product. Loss-of-function variants in ENG are known to be pathogenic (PMID: 15879500). This variant is not present in population databases (gnomAD no frequency). This premature translational stop signal has been observed in individuals with hereditary haemorrhagic telangiectasia (PMID: 9554745, 15712271, 17384219). ClinVar contains an entry for this variant (Variation ID: 582005). For these reasons, this variant has been classified as Pathogenic.

Ambry Genetics
Classification: Pathogenic for Cardiovascular phenotype. Last evaluated: 2022-10-25. Review status: criteria provided, single submitter. Criteria: Ambry Variant Classification Scheme 2023. Collection method: clinical testing. Allele origin: germline.
Comment: The c.1268delA pathogenic mutation, located in coding exon 9 of the ENG gene, results from a deletion of one nucleotide at nucleotide position 1268, causing a translational frameshift with a predicted alternate stop codon (p.N423Mfs*68). This mutation (referred to as deltaA 1267 or c.1267delA) has been reported in individuals and families meeting clinical diagnostic criteria for hereditary hemorrhagic telangiectasia (Gallione CJ, Hum. Mutat. 1998; 11(4):286-94; Abdalla SA, Hum. Mutat. 2005 Mar; 25(3):320-1; Gedge F, J Mol Diagn 2007 Apr; 9(2):258-65). This variant is considered to be rare based on population cohorts in the Genome Aggregation Database (gnomAD). In addition to the clinical data presented in the literature, this alteration is expected to result in loss of function by premature protein truncation or nonsense-mediated mRNA decay. As such, this alteration is interpreted as a disease-causing mutation.

Blueprint Genetics
Classification: Pathogenic for ENG-related disorders. Last evaluated: 2021-10-07. Review status: criteria provided, single submitter. Criteria: ACMG Guidelines, 2015. Collection method: clinical testing. Allele origin: germline. Affected: yes. Observed: 1 variant allele.

Literature cited by the submitters: PubMed 15879500 (cited by Labcorp Genetics (formerly Invitae), Labcorp); PubMed 9554745 (cited by Labcorp Genetics (formerly Invitae), Labcorp and Ambry Genetics); PubMed 15712271 (cited by Labcorp Genetics (formerly Invitae), Labcorp and Ambry Genetics); PubMed 17384219 (cited by Labcorp Genetics (formerly Invitae), Labcorp and Ambry Genetics); PubMed 23801935 (cited by Ambry Genetics).